The following is an entry in ClinVar:

NM_000138.5(FBN1):c.649T>G (p.Trp217Gly)

Gene: FBN1 (fibrillin 1; minus strand). Cytogenetic location: 15q21.1.
Variant type: single nucleotide variant.
Coding change: c.649T>G on transcript NM_000138.5 (MANE Select); coding-DNA position 649, T replaced by G.
Protein change: p.Trp217Gly; replaces tryptophan 217 with glycine.
Molecular consequence: missense variant.
Genome position (GRCh38, 1-based): chr15:48,537,698, A>C on the plus strand (T>G on the coding strand, the complement: FBN1 is on the minus strand). VCF-style: chr15-48537698-A-C. GRCh37 (hg19) VCF-style: chr15-48829895-A-C.
Other names: short protein forms W217G.
Identifiers: ClinVar variation 36101 (VCV000036101.3), dbSNP rs193922224, ClinGen allele CA016532.

ClinVar aggregate classification (germline): Likely pathogenic (1 of 4 stars; one submission).

Conditions:
Marfan syndrome (MFS). Also called: FBN1-Related Marfan Syndrome; Marfan syndrome type 1; Marfan's syndrome; Marfan syndrome, classic; MARFAN SYNDROME, TYPE I. Identifiers: Orphanet 284963, Orphanet 558, MedGen C0024796, MONDO:0007947, OMIM 154700.

Allele frequency attached by ClinVar (database versions not stated): ExAC 0.00001; gnomAD exomes below 0.00001.
gnomAD v4.1: 1 of 1,614,252 alleles (0.000062%); highest among the groups gnomAD compares: Non-Finnish European, 0.000085%; no homozygotes.

Submission:

Women's Health and Genetics/Laboratory Corporation of America, LabCorp
Classification: Likely pathogenic for Marfan Syndrome. Last evaluated: 2011-08-18. Review status: criteria provided, single submitter. Criteria: LabCorp Variant Classification Summary - May 2015. Collection method: curation, clinical testing. Allele origin: germline. Inheritance: autosomal dominant. Affected: yes. Observed: 2 variant alleles.
ClinVar note: Converted during submission from likely pathogenic to Likely pathogenic.

Literature cited by the submitters: PubMed 11826022; PubMed 17568394; PubMed 7977366; PubMed 8791520; PubMed 8136837; PubMed 11143906; PubMed 8541880; PubMed 9401003; PubMed 8743989; PubMed 12203987.